The following is an entry in ClinVar:

NM_000245.4(MET):c.3574A>G (p.Met1192Val)

Gene: MET (MET proto-oncogene, receptor tyrosine kinase; plus strand). Cytogenetic location: 7q31.2.
Variant type: single nucleotide variant.
Coding change: c.3574A>G on transcript NM_000245.4 (MANE Select); coding-DNA position 3574, A replaced by G.
Protein change: p.Met1192Val; replaces methionine 1192 with valine.
Molecular consequence: missense variant.
Genome position (GRCh38, 1-based): chr7:116,782,039, A>G. VCF-style: chr7-116782039-A-G. GRCh37 (hg19) VCF-style: chr7-116422093-A-G.
Other names: c.3628A>G, p.Met1210Val (NM_001127500.3); c.2284A>G, p.Met762Val (NM_001324402.2); short protein forms M1192V, M762V, M1210V.
Identifiers: ClinVar variation 5024353 (VCV005024353.1).

ClinVar aggregate classification (germline): Uncertain significance (1 of 4 stars; one submission).

Conditions:
Hereditary cancer-predisposing syndrome. Also called: Neoplastic Syndromes, Hereditary; Tumor predisposition; Hereditary neoplastic syndrome; Hereditary Cancer Syndrome. Identifiers: Orphanet 140162, MedGen C0027672, MeSH D009386, MONDO:0015356.

Submission:

Ambry Genetics
Classification: Uncertain significance for Hereditary cancer-predisposing syndrome. Last evaluated: 2026-07-06. Review status: criteria provided, single submitter. Criteria: Ambry Variant Classification Scheme 2023. Collection method: clinical testing. Allele origin: germline.
Comment: The p.M1192V variant (also known as c.3574A>G), located in coding exon 17 of the MET gene, results from an A to G substitution at nucleotide position 3574. The methionine at codon 1192 is replaced by valine, an amino acid with highly similar properties. This amino acid position is conserved. In addition, this alteration is predicted to be deleterious by in silico analysis. Based on the available evidence, the clinical significance of this variant remains unclear.